The following is an entry in ClinVar:

NM_198525.3(KIF7):c.1184C>G (p.Ala395Gly)

Gene: KIF7 (kinesin family member 7; minus strand). Cytogenetic location: 15q26.1.
Variant type: single nucleotide variant.
Coding change: c.1184C>G on transcript NM_198525.3 (MANE Select); coding-DNA position 1184, C replaced by G.
Protein change: p.Ala395Gly; replaces alanine 395 with glycine.
Molecular consequence: missense variant.
Genome position (GRCh38, 1-based): chr15:89,648,514, G>C on the plus strand (C>G on the coding strand, the complement: KIF7 is on the minus strand). VCF-style: chr15-89648514-G-C. GRCh37 (hg19) VCF-style: chr15-90191745-G-C.
Other names: short protein forms A395G.
Identifiers: ClinVar variation 1308228 (VCV001308228.7), dbSNP rs1964059838, ClinGen allele CA393772026.

ClinVar aggregate classification (germline): Uncertain significance. Review status: criteria provided, multiple submitters, no conflicts (2 of 4 stars). 3 submissions from 3 submitters: Uncertain significance (3). Last evaluated 2025-08-05.

Conditions:
Inborn genetic diseases. Identifiers: MedGen C0950123, MeSH D030342.
Acrocallosal syndrome (ACLS). Also called: HALLUX DUPLICATION, POSTAXIAL POLYDACTYLY, AND ABSENCE OF CORPUS CALLOSUM; Schinzel syndrome 1; Absence of corpus callosum with unusual facial appearance, mental deficiency, duplication of the halluces and polydactyly. Identifiers: Orphanet 36, MedGen C0796147, MONDO:0008708, OMIM 200990.

Allele frequency attached by ClinVar (database versions not stated): TOPMed below 0.00001.

Submissions (3):

Ambry Genetics
Classification: Uncertain significance for Inborn genetic diseases. Last evaluated: 2025-08-05. Review status: criteria provided, single submitter. Criteria: Ambry Variant Classification Scheme 2023. Collection method: clinical testing. Allele origin: germline.

Labcorp Genetics (formerly Invitae), Labcorp
Classification: Uncertain significance for Acrocallosal syndrome. Last evaluated: 2021-12-10. Review status: criteria provided, single submitter. Criteria: Invitae Variant Classification Sherloc (09022015). Collection method: clinical testing. Allele origin: germline.
Comment: In summary, the available evidence is currently insufficient to determine the role of this variant in disease. Therefore, it has been classified as a Variant of Uncertain Significance. Algorithms developed to predict the effect of missense changes on protein structure and function (SIFT, PolyPhen-2, Align-GVGD) all suggest that this variant is likely to be tolerated. ClinVar contains an entry for this variant (Variation ID: 1308228). This variant has not been reported in the literature in individuals affected with KIF7-related conditions. The frequency data for this variant in the population databases is considered unreliable, as metrics indicate insufficient coverage at this position in the gnomAD database. This sequence change replaces alanine, which is neutral and non-polar, with glycine, which is neutral and non-polar, at codon 395 of the KIF7 protein (p.Ala395Gly).

GeneDx
Classification: Uncertain significance. Last evaluated: 2019-03-22. Review status: criteria provided, single submitter. Criteria: GeneDx Variant Classification Process June 2021. Collection method: clinical testing. Allele origin: germline. Affected: yes.
Comment: In silico analysis, which includes protein predictors and evolutionary conservation, supports that this variant does not alter protein structure/function; Has not been previously published as pathogenic or benign to our knowledge